The following is an entry in ClinVar:

NM_001145319.2(PLS1):c.1205G>A (p.Arg402Gln)

Gene: PLS1 (plastin 1; plus strand). Cytogenetic location: 3q23.
Variant type: single nucleotide variant.
Coding change: c.1205G>A on transcript NM_001145319.2 (MANE Select); coding-DNA position 1205, G replaced by A.
Protein change: p.Arg402Gln; replaces arginine 402 with glutamine.
Molecular consequence: missense variant.
Genome position (GRCh38, 1-based): chr3:142,694,496, G>A. VCF-style: chr3-142694496-G-A. GRCh37 (hg19) VCF-style: chr3-142413338-G-A.
Other names: c.1205G>A, p.Arg402Gln (NM_001172312.2, NM_002670.3); c.1205G>A (NM_001145319.1); short protein forms R402Q.
Identifiers: ClinVar variation 3307855 (VCV003307855.2).

ClinVar aggregate classification (germline): Uncertain significance. Review status: criteria provided, single submitter (1 of 4 stars). 2 submissions from 2 submitters: Uncertain significance (1). 1 of the submissions does not count toward it. Last evaluated 2024-06-05.

Conditions:
PLS1-related disorder. Also called: PLS1-related condition.
Inborn genetic diseases. Identifiers: MedGen C0950123, MeSH D030342.

gnomAD v4.1: 2,464 of 1,605,274 alleles (0.15%); highest among the groups gnomAD compares: Non-Finnish European, 0.2%; 4 homozygotes.

Submissions (2):

Ambry Genetics
Classification: Uncertain significance for Inborn genetic diseases. Last evaluated: 2024-06-05. Review status: criteria provided, single submitter. Criteria: Ambry Variant Classification Scheme 2023. Collection method: clinical testing. Allele origin: germline.

PreventionGenetics, part of Exact Sciences
Classification: Likely benign for PLS1-related condition. Last evaluated: 2024-05-06. Review status: no assertion criteria provided. Collection method: clinical testing. Allele origin: germline. Not counted in ClinVar's aggregate classification.
Comment: This variant is classified as likely benign based on ACMG/AMP sequence variant interpretation guidelines (Richards et al. 2015 PMID: 25741868, with internal and published modifications).